The following is an entry in ClinVar:

NM_001201543.2(FAM161A):c.1991C>T (p.Thr664Ile)

Gene: FAM161A (FAM161 centrosomal protein A; minus strand). Cytogenetic location: 2p15.
Variant type: single nucleotide variant.
Coding change: c.1991C>T on transcript NM_001201543.2 (MANE Select); coding-DNA position 1991, C replaced by T.
Protein change: p.Thr664Ile; replaces threonine 664 with isoleucine.
Molecular consequence: missense variant. On other transcripts: non-coding transcript variant (1).
Genome position (GRCh38, 1-based): chr2:61,827,119, G>A on the plus strand (C>T on the coding strand, the complement: FAM161A is on the minus strand). VCF-style: chr2-61827119-G-A. GRCh37 (hg19) VCF-style: chr2-62054254-G-A.
Other names: c.1823C>T, p.Thr608Ile (NM_032180.3); short protein forms T608I, T664I.
Identifiers: ClinVar variation 1023884 (VCV001023884.6), dbSNP rs979342851, ClinGen allele CA48470437.

ClinVar aggregate classification (germline): Uncertain significance (1 of 4 stars; one submission).

Allele frequency attached by ClinVar (database versions not stated): gnomAD exomes below 0.00001; gnomAD 0.00002; TOPMed 0.00002.
gnomAD v4.1: 4 of 1,613,602 alleles (0.00025%); highest among the groups gnomAD compares: African/African-American, 0.0053%; no homozygotes.

Submission:

Labcorp Genetics (formerly Invitae), Labcorp
Classification: Uncertain significance. Last evaluated: 2022-02-10. Review status: criteria provided, single submitter. Criteria: Invitae Variant Classification Sherloc (09022015). Collection method: clinical testing. Allele origin: germline.
Comment: This sequence change replaces threonine, which is neutral and polar, with isoleucine, which is neutral and non-polar, at codon 664 of the FAM161A protein (p.Thr664Ile). This variant is not present in population databases (gnomAD no frequency). This variant has not been reported in the literature in individuals affected with FAM161A-related conditions. ClinVar contains an entry for this variant (Variation ID: 1023884). Algorithms developed to predict the effect of missense changes on protein structure and function (SIFT, PolyPhen-2, Align-GVGD) all suggest that this variant is likely to be tolerated. In summary, the available evidence is currently insufficient to determine the role of this variant in disease. Therefore, it has been classified as a Variant of Uncertain Significance.